The following is an entry in ClinVar:

NM_004744.5(LRAT):c.427_428del (p.Arg143fs)

Gene: LRAT (lecithin retinol acyltransferase; plus strand). Cytogenetic location: 4q32.1.
Variant type: Microsatellite.
Coding change: c.427_428del on transcript NM_004744.5 (MANE Select); coding-DNA positions 427 to 428, 2 bases deleted (CG; older notation c.427_428delCG).
Protein change: p.Arg143fs; shifts the reading frame from arginine 143.
Molecular consequence: frameshift variant.
Genome position (GRCh38, 1-based): chr4:154,744,753-154,744,754, CG deleted; deleting any 2 consecutive bases within chr4:154,744,750-154,744,754 gives the same sequence; the c. name uses the placement nearest the transcript's 3' end. VCF-style (leftmost placement, unchanged base first): chr4-154744749-GGC-G. GRCh37 (hg19) VCF-style: chr4-155665901-GGC-G.
Other names: c.427_428del, p.Arg143fs (NM_001301645.2); short protein forms R143fs.
Identifiers: ClinVar variation 3003206 (VCV003003206.3), dbSNP rs2529973359, ClinGen allele CA2740091582.
Genomic context (GRCh38, chr4:154,744,749, plus strand): 5'-CATCCTGGTCAATCACCTGGACGAGTCCCTCCAGAAAAAGGCACTGCTCAACGAGGAGGT[GGC>G]GCGGAGGGCTGAAAAGCTGCTGGGCTTTACCCCCTACAGCCTGCTGTGGAACAACTGCGA-3'

ClinVar aggregate classification (germline): Pathogenic (1 of 4 stars; one submission).

Submission:

Labcorp Genetics (formerly Invitae), Labcorp
Classification: Pathogenic. Last evaluated: 2023-07-19. Review status: criteria provided, single submitter. Criteria: Invitae Variant Classification Sherloc (09022015). Collection method: clinical testing. Allele origin: germline.
Comment: This variant is not present in population databases (gnomAD no frequency). For these reasons, this variant has been classified as Pathogenic. This variant has not been reported in the literature in individuals affected with LRAT-related conditions. This sequence change creates a premature translational stop signal (p.Arg143Glufs*3) in the LRAT gene. It is expected to result in an absent or disrupted protein product. Loss-of-function variants in LRAT are known to be pathogenic (PMID: 22559933, 24265693).

Literature cited by the submitters: PubMed 22559933; PubMed 24265693.